The following is an entry in ClinVar:

NM_002471.4(MYH6):c.4245A>G (p.Ser1415=)

Gene: MYH6 (myosin heavy chain 6; minus strand). Cytogenetic location: 14q11.2.
Variant type: single nucleotide variant.
Coding change: c.4245A>G on transcript NM_002471.4 (MANE Select); coding-DNA position 4245, A replaced by G.
Protein change: p.Ser1415=; no amino-acid change (serine 1415 retained).
Molecular consequence: synonymous variant.
Genome position (GRCh38, 1-based): chr14:23,388,269, T>C on the plus strand (A>G on the coding strand, the complement: MYH6 is on the minus strand). VCF-style: chr14-23388269-T-C. GRCh37 (hg19) VCF-style: chr14-23857478-T-C.
Identifiers: ClinVar variation 414325 (VCV000414325.21), dbSNP rs779697115, ClinGen allele CA7114839.

ClinVar aggregate classification (germline): Benign/Likely benign. Review status: criteria provided, multiple submitters, no conflicts (2 of 4 stars). 7 submissions from 7 submitters: Benign (3); Likely benign (4). Last evaluated 2026-04-01.

Conditions:
MYH6-related disorder. Also called: MYH6-Related Disorders; MYH6-related condition.
Cardiovascular phenotype. Identifiers: MedGen CN230736.
Hypertrophic cardiomyopathy 14. Identifiers: MedGen C2750467, MONDO:0013197, OMIM 613251.

Allele frequency attached by ClinVar (database versions not stated): gnomAD 0.00005 and 0.00006; TOPMed 0.00028; ExAC 0.00052; gnomAD exomes 0.00065.

Submissions (7):

CeGaT Center for Human Genetics Tuebingen
Classification: Likely benign. Last evaluated: 2026-04-01. Review status: criteria provided, single submitter. Criteria: CeGaT Center For Human Genetics Tuebingen Variant Classification Criteria Version 2. Collection method: clinical testing. Allele origin: germline. Affected: yes. Observed: 1 variant allele.
Comment: MYH6: BP4, BP7, BS1

Labcorp Genetics (formerly Invitae), Labcorp
Classification: Benign for Hypertrophic cardiomyopathy 14. Last evaluated: 2025-11-22. Review status: criteria provided, single submitter. Criteria: Invitae Variant Classification Sherloc (09022015). Collection method: clinical testing. Allele origin: germline.

PreventionGenetics, part of Exact Sciences
Classification: Likely benign for MYH6-related condition. Last evaluated: 2025-10-31. Review status: criteria provided, single submitter. Criteria: ACMG Guidelines, 2015. Collection method: clinical testing. Allele origin: germline.
Comment: This variant is classified as likely benign based on ACMG/AMP sequence variant interpretation guidelines (Richards et al. 2015 PMID: 25741868, with internal and published modifications).

Blueprint Genetics
Classification: Likely benign. Last evaluated: 2022-10-26. Review status: criteria provided, single submitter. Criteria: ACMG Guidelines, 2015. Collection method: clinical testing. Allele origin: germline.

Women's Health and Genetics/Laboratory Corporation of America, LabCorp
Classification: Benign. Last evaluated: 2022-07-10. Review status: criteria provided, single submitter. Criteria: LabCorp Variant Classification Summary - May 2015. Collection method: clinical testing. Allele origin: germline.

Ambry Genetics
Classification: Likely benign for Cardiovascular phenotype. Last evaluated: 2018-11-05. Review status: criteria provided, single submitter. Criteria: Ambry Variant Classification Scheme 2023. Collection method: clinical testing. Allele origin: germline.

Laboratory for Molecular Medicine, Mass General Brigham Personalized Medicine
Classification: Benign. Last evaluated: 2017-01-20. Review status: criteria provided, single submitter. Criteria: LMM Criteria. Collection method: clinical testing. Allele origin: germline. Observed: 1 variant allele.
Comment: p.Ser1415Ser in exon 30 of MYH6: This variant is not expected to have clinical s ignificance because it does not alter an amino acid residue and is not located w ithin the splice consensus sequence. It has been identified in 0.5% (63/11578) o f Latino chromosomes including 1 homozygote by the Exome Aggregation Consortium (ExAC; dbSNP rs148319461).